The following is an entry in ClinVar:

ClinVar aggregate classification (germline): Uncertain significance. Review status: criteria provided, multiple submitters, no conflicts (2 of 4 stars). 2 submissions from 2 submitters: Uncertain significance (2). Last evaluated 2022-10-13.

Conditions:
Surfactant metabolism dysfunction, pulmonary, 4 (SMDP4). Also called: PAP DUE TO CSF2RA DEFICIENCY; PULMONARY ALVEOLAR PROTEINOSIS, CONGENITAL, 4; CSF2RA DEFICIENCY. Identifiers: Orphanet 264675, MedGen C2677877, MONDO:0010424, OMIM 300770.

Allele frequency attached by ClinVar (database versions not stated): gnomAD exomes 0.00027 and 0.00029; gnomAD 0.00028 and 0.00031; TOPMed 0.00028; ExAC 0.00031; ESP Exome Variant Server 0.00046.
gnomAD v4.1: 463 of 1,613,852 alleles (0.029%); highest among the groups gnomAD compares: Middle Eastern, 0.049%; 1 homozygote.

Submissions (2):

Labcorp Genetics (formerly Invitae), Labcorp
Classification: Uncertain significance for Surfactant metabolism dysfunction, pulmonary, 4. Last evaluated: 2022-10-13. Review status: criteria provided, single submitter. Criteria: Invitae Variant Classification Sherloc (09022015). Collection method: clinical testing. Allele origin: germline.
Comment: This sequence change replaces proline, which is neutral and non-polar, with serine, which is neutral and polar, at codon 112 of the CSF2RA protein (p.Pro112Ser). This variant is present in population databases (no rsID available, gnomAD 0.05%). This variant has not been reported in the literature in individuals affected with CSF2RA-related conditions. ClinVar contains an entry for this variant (Variation ID: 950994). Advanced modeling of protein sequence and biophysical properties (such as structural, functional, and spatial information, amino acid conservation, physicochemical variation, residue mobility, and thermodynamic stability) performed at Invitae indicates that this missense variant is not expected to disrupt CSF2RA protein function. In summary, the available evidence is currently insufficient to determine the role of this variant in disease. Therefore, it has been classified as a Variant of Uncertain Significance.

Breakthrough Genomics
Classification: Uncertain significance. Review status: criteria provided, single submitter. Criteria: ACMG Guidelines, 2015. Collection method: not provided. Allele origin: germline. Inheritance: Unknown mechanism. Affected: yes.

NM_172245.4(CSF2RA):c.334C>T (p.Pro112Ser)

Gene: CSF2RA (colony stimulating factor 2 receptor subunit alpha; plus strand). Cytogenetic location: Xp22.33.
Variant type: single nucleotide variant.
Coding change: c.334C>T on transcript NM_172245.4 (MANE Select); coding-DNA position 334, C replaced by T.
Protein change: p.Pro112Ser; replaces proline 112 with serine.
Molecular consequence: missense variant. On other transcripts: 5 prime UTR variant (1), non-coding transcript variant (1).
Genome position (GRCh38, 1-based): chrX:1,288,633, C>T. VCF-style: chrX-1288633-C-T. GRCh37 (hg19) VCF-style: chrX-1407526-C-T.
Other names: c.334C>T, p.Pro112Ser (NM_001161529.2, NM_001161530.2, NM_001161531.2 and 20 more transcripts); c.-66C>T (NM_001161532.2); short protein forms P112S.
Identifiers: ClinVar variation 950994 (VCV000950994.5), dbSNP rs147866013, ClinGen allele CA10330754.
Genomic context (GRCh38, chrX:1,288,633, plus strand): 5'-GTCACATTTGAGGTTCACGTGAATACTAGTCAAAGAGGATTTCAACAGAAACTGCTTTAT[C>T]CAAATTCAGGTAAGCAAGACAGCTCAGGGATCCGTTTACAGCACTGGCCCCACCACCCCG-3'
Protein context (NP_758448.1, residues 102-122): QRGFQQKLLY[Pro112Ser]NSGREGTAAQ